The following is an entry in ClinVar:

ClinVar aggregate classification (germline): Uncertain significance. Review status: criteria provided, multiple submitters, no conflicts (2 of 4 stars). 2 submissions from 2 submitters: Uncertain significance (2). Last evaluated 2024-08-01.

Conditions:
Hypertrophic cardiomyopathy. Also called: HYPERTROPHIC MYOCARDIOPATHY. Identifiers: Orphanet 217569, MedGen C0007194, MeSH D002312, MONDO:0005045, HP:0001639.

Submissions (2):

Labcorp Genetics (formerly Invitae), Labcorp
Classification: Uncertain significance for Hypertrophic cardiomyopathy. Last evaluated: 2024-08-01. Review status: criteria provided, single submitter. Criteria: Invitae Variant Classification Sherloc (09022015). Collection method: clinical testing. Allele origin: germline.
Comment: This sequence change replaces proline, which is neutral and non-polar, with leucine, which is neutral and non-polar, at codon 866 of the MYBPC3 protein (p.Pro866Leu). This variant is not present in population databases (gnomAD no frequency). This variant has not been reported in the literature in individuals affected with MYBPC3-related conditions. An algorithm developed to predict the effect of missense changes on protein structure and function (PolyPhen-2) suggests that this variant is likely to be disruptive. In summary, the available evidence is currently insufficient to determine the role of this variant in disease. Therefore, it has been classified as a Variant of Uncertain Significance.

All of Us Research Program, National Institutes of Health
Classification: Uncertain significance for Hypertrophic cardiomyopathy. Last evaluated: 2024-03-05. Review status: criteria provided, single submitter. Criteria: ACMG Guidelines, 2015. Collection method: clinical testing. Allele origin: germline. Inheritance: Autosomal dominant inheritance. Observed: 1 variant allele, 1 heterozygote.
Comment: This study involves interpretation of variants in research participants for the purpose of population health screening. Participant phenotype was not available at the time of variant classification. Additional details can be found in publication PMID: 35346344, PMCID: PMC8962531

NM_000256.3(MYBPC3):c.2597C>T (p.Pro866Leu)

Gene: MYBPC3 (myosin binding protein C3; minus strand). Cytogenetic location: 11p11.2.
Variant type: single nucleotide variant.
Coding change: c.2597C>T on transcript NM_000256.3 (MANE Select); coding-DNA position 2597, C replaced by T.
Protein change: p.Pro866Leu; replaces proline 866 with leucine.
Molecular consequence: missense variant.
Genome position (GRCh38, 1-based): chr11:47,337,396, G>A on the plus strand (C>T on the coding strand, the complement: MYBPC3 is on the minus strand). VCF-style: chr11-47337396-G-A. GRCh37 (hg19) VCF-style: chr11-47358947-G-A.
Other names: short protein forms P866L.
Identifiers: ClinVar variation 3387108 (VCV003387108.3).